The following is an entry in ClinVar:

ClinVar aggregate classification (germline): Conflicting classifications of pathogenicity. Review status: criteria provided, conflicting classifications (1 of 4 stars). 3 submissions from 3 submitters: Pathogenic (1); Uncertain significance (1). 1 of the submissions does not count toward it. Last evaluated 2024-10-26.

Conditions:
Charcot-Marie-Tooth disease type 2. Also called: Charcot-Marie-Tooth type 2. Identifiers: Orphanet 64746, MedGen C0270914, MONDO:0018993.

Submissions (3):

Labcorp Genetics (formerly Invitae), Labcorp
Classification: Pathogenic for Charcot-Marie-Tooth disease type 2. Last evaluated: 2024-10-26. Review status: criteria provided, single submitter. Criteria: Invitae Variant Classification Sherloc (09022015). Collection method: clinical testing. Allele origin: germline.
Comment: This sequence change replaces isoleucine, which is neutral and non-polar, with valine, which is neutral and non-polar, at codon 46 of the LMNA protein (p.Ile46Val). This variant is not present in population databases (gnomAD no frequency). This missense change has been observed in individual(s) with clinical features of autosomal dominant LMNA-related conditions (PMID: 16891232; internal data). In at least one individual the variant was observed to be de novo. ClinVar contains an entry for this variant (Variation ID: 66815). Invitae Evidence Modeling of protein sequence and biophysical properties (such as structural, functional, and spatial information, amino acid conservation, physicochemical variation, residue mobility, and thermodynamic stability) indicates that this missense variant is expected to disrupt LMNA protein function with a positive predictive value of 95%. For these reasons, this variant has been classified as Pathogenic.

Revvity Omics, Revvity
Classification: Uncertain significance. Last evaluated: 2019-06-07. Review status: criteria provided, single submitter. Criteria: ACMG Guidelines, 2015. Collection method: clinical testing. Allele origin: germline.

Epithelial Biology;  Institute of Medical Biology, Singapore
No classification provided. Review status: no classification provided. Collection method: not provided. Allele origin: not provided. Not counted in ClinVar's aggregate classification.

Literature cited by the submitters: PubMed 16891232 (cited by Labcorp Genetics (formerly Invitae), Labcorp).

NM_170707.4(LMNA):c.136A>G (p.Ile46Val)

Gene: LMNA (lamin A/C; plus strand). Cytogenetic location: 1q22.
Variant type: single nucleotide variant.
Coding change: c.136A>G on transcript NM_170707.4 (MANE Select); coding-DNA position 136, A replaced by G.
Protein change: p.Ile46Val; replaces isoleucine 46 with valine.
Molecular consequence: missense variant.
Genome position (GRCh38, 1-based): chr1:156,115,054, A>G. VCF-style: chr1-156115054-A-G. GRCh37 (hg19) VCF-style: chr1-156084845-A-G.
Other names: c.136A>G, p.Ile46Val (NM_001282625.2, NM_001282626.2, NM_005572.4 and 1 more transcripts); short protein forms I46V.
Identifiers: ClinVar variation 66815 (VCV000066815.13), dbSNP rs267607615, ClinGen allele CA017105.